The following is an entry in ClinVar:

ClinVar aggregate classification (germline): Likely benign. Review status: criteria provided, multiple submitters, no conflicts (2 of 4 stars). 2 submissions from 2 submitters: Likely benign (2). Last evaluated 2026-06-01.

gnomAD v4.1: 123 of 686,974 alleles (0.018%); highest among the groups gnomAD compares: South Asian, 0.11%; 2 homozygotes.

Submissions (2):

CeGaT Center for Human Genetics Tuebingen
Classification: Likely benign. Last evaluated: 2026-06-01. Review status: criteria provided, single submitter. Criteria: CeGaT Center For Human Genetics Tuebingen Variant Classification Criteria Version 2. Collection method: clinical testing. Allele origin: germline. Affected: yes. Observed: 1 variant allele.
Comment: CEL: BP4, BP7

Blueprint Genetics
Classification: Likely benign. Last evaluated: 2024-11-01. Review status: criteria provided, single submitter. Criteria: ACMG Guidelines, 2015. Collection method: clinical testing. Allele origin: germline.

NM_001807.6(CEL):c.2046G>A (p.Pro682=)

Gene: CEL (carboxyl ester lipase; plus strand). Cytogenetic location: 9q34.13.
Variant type: single nucleotide variant.
Coding change: c.2046G>A on transcript NM_001807.6 (MANE Select); coding-DNA position 2046, G replaced by A.
Protein change: p.Pro682=; no amino-acid change (proline 682 retained).
Molecular consequence: synonymous variant.
Genome position (GRCh38, 1-based): chr9:133,071,548, G>A. VCF-style: chr9-133071548-G-A. GRCh37 (hg19) VCF-style: chr9-135946935-G-A.
Identifiers: ClinVar variation 4872603 (VCV004872603.3).